The following is an entry in ClinVar:

NM_033026.6(PCLO):c.1471_1500del (p.Pro491_Pro500del)

Gene: PCLO (piccolo presynaptic cytomatrix protein; minus strand). Cytogenetic location: 7q21.11.
Variant type: Deletion.
Coding change: c.1471_1500del on transcript NM_033026.6 (MANE Select); coding-DNA positions 1471 to 1500, 30 bases deleted (CCTCAACAGCCTGGCTCAGCAAAGCCCCCA).
Protein change: p.Pro491_Pro500del.
Molecular consequence: inframe deletion.
Genome position (GRCh38, 1-based): chr7:83,155,141-83,155,170, TGGGGGCTTTGCTGAGCCAGGCTGTTGAGG deleted on the plus strand (CCTCAACAGCCTGGCTCAGCAAAGCCCCCA on the coding strand, the reverse complement: PCLO is on the minus strand); deleting any 30 consecutive bases within chr7:83,155,141-83,155,184 gives the same sequence; the c. name uses the placement nearest the transcript's 3' end. VCF-style (leftmost placement, unchanged base first): chr7-83155140-ATGGGGGCTTTGCTGAGCCAGGCTGTTGAGG-A. GRCh37 (hg19) VCF-style: chr7-82784456-ATGGGGGCTTTGCTGAGCCAGGCTGTTGAGG-A.
Other names: c.1471_1500del, p.Pro491_Pro500del (NM_014510.3).
Identifiers: ClinVar variation 1358055 (VCV001358055.5), dbSNP rs1584096132, ClinGen allele CA4321439.

ClinVar aggregate classification (germline): Uncertain significance (1 of 4 stars; one submission).

Submission:

Labcorp Genetics (formerly Invitae), Labcorp
Classification: Uncertain significance. Last evaluated: 2022-06-20. Review status: criteria provided, single submitter. Criteria: Invitae Variant Classification Sherloc (09022015). Collection method: clinical testing. Allele origin: germline.
Comment: This variant, c.1471_1500del, results in the deletion of 10 amino acid(s) of the PCLO protein (p.Pro491_Pro500del), but otherwise preserves the integrity of the reading frame. The frequency data for this variant in the population databases is considered unreliable, as metrics indicate poor data quality at this position in the gnomAD database. This variant has not been reported in the literature in individuals affected with PCLO-related conditions. Experimental studies and prediction algorithms are not available or were not evaluated, and the functional significance of this variant is currently unknown. In summary, the available evidence is currently insufficient to determine the role of this variant in disease. Therefore, it has been classified as a Variant of Uncertain Significance.